The following is an entry in ClinVar:

NM_000424.4(KRT5):c.259T>G (p.Phe87Val)

Gene: KRT5 (keratin 5; minus strand). Cytogenetic location: 12q13.13.
Variant type: single nucleotide variant.
Coding change: c.259T>G on transcript NM_000424.4 (MANE Select); coding-DNA position 259, T replaced by G.
Protein change: p.Phe87Val; replaces phenylalanine 87 with valine.
Molecular consequence: missense variant.
Genome position (GRCh38, 1-based): chr12:52,520,038, A>C on the plus strand (T>G on the coding strand, the complement: KRT5 is on the minus strand). VCF-style: chr12-52520038-A-C. GRCh37 (hg19) VCF-style: chr12-52913822-A-C.
Other names: short protein forms F87V.
Identifiers: ClinVar variation 309571 (VCV000309571.18), dbSNP rs61747188, ClinGen allele CA6582884.

ClinVar aggregate classification (germline): Benign. Review status: criteria provided, multiple submitters, no conflicts (2 of 4 stars). 4 submissions from 4 submitters: Benign (3). 1 of the submissions does not count toward it. Last evaluated 2026-02-02.

Conditions:
KRT5-related disorder. Also called: KRT5-related condition.
Epidermolysis bullosa simplex. Also called: Epidermolysis bullosa simplex, Weber-Cockayne type (subtype); Epidermolysis bullosa simplex, Dowling-Meara type (subtype); Epidermolysis bullosa simplex with mottled pigmentation (subtype). Identifiers: Orphanet 304, MedGen C0079298, MONDO:0017610.

Allele frequency attached by ClinVar (database versions not stated): gnomAD exomes 0.00149 and 0.00396; ExAC 0.00494; 1000 Genomes Project 0.01438; gnomAD 0.01641 and 0.01764; 1000 Genomes Project 30x 0.01718; TOPMed 0.01839; ESP Exome Variant Server 0.01945.
gnomAD v4.1: 4,755 of 1,613,422 alleles (0.29%); highest among the groups gnomAD compares: African/African-American, 5.8%; 121 homozygotes.

Submissions (6):

Labcorp Genetics (formerly Invitae), Labcorp
Classification: Benign. Last evaluated: 2026-02-02. Review status: criteria provided, single submitter. Criteria: Invitae Variant Classification Sherloc (09022015). Collection method: clinical testing. Allele origin: germline.

Illumina Laboratory Services, Illumina
Classification: Benign for Epidermolysis bullosa simplex. Last evaluated: 2018-01-12. Review status: criteria provided, single submitter. Criteria: ICSL Variant Classification Criteria 13 December 2019. Collection method: clinical testing. Allele origin: germline.
Comment: This variant was observed in the ICSL laboratory as part of a predisposition screen in an ostensibly healthy population. It had not been previously curated by ICSL or reported in the Human Gene Mutation Database (HGMD: prior to June 1st, 2018), and was therefore a candidate for classification through an automated scoring system. Utilizing variant allele frequency, disease prevalence and penetrance estimates, and inheritance mode, an automated score was calculated to assess if this variant is too frequent to cause the disease. Based on the score and internal cut-off values, a variant classified as benign is not then subjected to further curation. The score for this variant resulted in a classification of benign for this disease.

Breakthrough Genomics
Classification: Benign. Review status: criteria provided, single submitter. Criteria: ACMG Guidelines, 2015. Collection method: not provided. Allele origin: germline. Inheritance: Autosomal recessive inheritance. Affected: yes.

PreventionGenetics, part of Exact Sciences
Classification: Benign for KRT5-related condition. Last evaluated: 2019-04-24. Review status: no assertion criteria provided. Collection method: clinical testing. Allele origin: germline. Not counted in ClinVar's aggregate classification.
Comment: This variant is classified as benign based on ACMG/AMP sequence variant interpretation guidelines (Richards et al. 2015 PMID: 25741868, with internal and published modifications).

Dr. Peter K. Rogan Lab, Western University
No classification provided (evidence only). Condition: Uterine corpus endometrial carcinoma. Review status: no classification provided. Collection method: in vitro. Allele origin: not applicable. Functional consequence: retained intron. Not counted in ClinVar's aggregate classification.

Dr. Peter K. Rogan Lab, Western University
No classification provided (evidence only). Condition: Cholangiocarcinoma. Review status: no classification provided. Collection method: in vitro. Allele origin: not applicable. Functional consequence: retained intron. Not counted in ClinVar's aggregate classification.